The following is an entry in ClinVar:

NM_002382.5(MAX):c.24G>T (p.Glu8Asp)

Genes: MAX (MYC associated transcriptional regulator X; minus strand), LOC130055850 (ATAC-STARR-seq lymphoblastoid silent region 5847; plus strand). Cytogenetic location: 14q23.3.
Variant type: single nucleotide variant.
Coding change: c.24G>T on transcript NM_002382.5 (MANE Select); coding-DNA position 24, G replaced by T.
Protein change: p.Glu8Asp; replaces glutamic acid 8 with aspartic acid.
Molecular consequence: missense variant. On other transcripts: 5 prime UTR variant (2), intron variant (2).
Genome position (GRCh38, 1-based): chr14:65,102,316, C>A on the plus strand (G>T on the coding strand, the complement: MAX is on the minus strand). VCF-style: chr14-65102316-C-A. GRCh37 (hg19) VCF-style: chr14-65569034-C-A.
Other names: c.24G>T, p.Glu8Asp (NM_001271068.2, NM_001271069.2, NM_001407094.1 and 18 more transcripts); c.-251G>T (NM_001320415.2); c.-224G>T (NM_001407107.1); c.-305+193G>T (NM_001407112.1); c.-239+193G>T (NM_001407106.1); short protein forms E8D.
Identifiers: ClinVar variation 3673290 (VCV003673290.2).
Genomic context (GRCh38, chr14:65,102,316, plus strand): 5'-GTCCCCGCCTGACAACCCGCACGGGAAGGAAGAAGCCCCAGGACTCACGTCGCTCTCCAC[C>A]TCGATGTCATCGTTATCGCTCATTTCCTACGGCCCAGGGAGCGGCCACTGCAGCGGCGGC-3'
Protein context (NP_002373.3, residues 1-18): MSDNDDI[Glu8Asp]VESDEEQPRF

ClinVar aggregate classification (germline): Uncertain significance (1 of 4 stars; one submission).

Conditions:
Hereditary pheochromocytoma and paraganglioma. Also called: Hereditary paragangliomas and pheochromocytomas; Hereditary Paraganglioma-Pheochromocytoma Syndromes; Hereditary pheochromocytoma-paraganglioma. Identifiers: Orphanet 29072, MedGen C4274332, MONDO:0017366.

Submission:

Labcorp Genetics (formerly Invitae), Labcorp
Classification: Uncertain significance for Hereditary pheochromocytoma and paraganglioma. Last evaluated: 2024-08-21. Review status: criteria provided, single submitter. Criteria: Invitae Variant Classification Sherloc (09022015). Collection method: clinical testing. Allele origin: germline.
Comment: This sequence change replaces glutamic acid, which is acidic and polar, with aspartic acid, which is acidic and polar, at codon 8 of the MAX protein (p.Glu8Asp). This variant is not present in population databases (gnomAD no frequency). This variant has not been reported in the literature in individuals affected with MAX-related conditions. An algorithm developed to predict the effect of missense changes on protein structure and function (PolyPhen-2) suggests that this variant is likely to be tolerated. In summary, the available evidence is currently insufficient to determine the role of this variant in disease. Therefore, it has been classified as a Variant of Uncertain Significance.